The following is an entry in ClinVar:

ClinVar aggregate classification (germline): Uncertain significance (1 of 4 stars; one submission).

Conditions:
Medulloblastoma (MDB). Also called: MEDULLOBLASTOMA PREDISPOSITION SYNDROME; Medulloblastoma, somatic. Identifiers: Orphanet 616, MedGen C0025149, MeSH D008527, MONDO:0007959, OMIM 155255, HP:0002885.
Gorlin syndrome. Also called: Nevoid Basal Cell Carcinoma Syndrome; Basal cell nevus syndrome. Identifiers: Orphanet 377, MedGen C0004779, MONDO:0007187.

Submission:

Labcorp Genetics (formerly Invitae), Labcorp
Classification: Uncertain significance for Gorlin syndrome; Medulloblastoma. Last evaluated: 2024-12-15. Review status: criteria provided, single submitter. Criteria: Invitae Variant Classification Sherloc (09022015). Collection method: clinical testing. Allele origin: germline.
Comment: This sequence change falls in intron 7 of the SUFU gene. It does not directly change the encoded amino acid sequence of the SUFU protein. It affects a nucleotide within the consensus splice site. This variant is not present in population databases (gnomAD no frequency). This variant has not been reported in the literature in individuals affected with SUFU-related conditions. ClinVar contains an entry for this variant (Variation ID: 1491170). Variants that disrupt the consensus splice site are a relatively common cause of aberrant splicing (PMID: 17576681, 9536098). RNA analysis performed to evaluate the impact of this variant on mRNA splicing indicates it does not significantly alter splicing (internal data). In summary, the available evidence is currently insufficient to determine the role of this variant in disease. Therefore, it has been classified as a Variant of Uncertain Significance.

Literature cited by the submitters: PubMed 17576681; PubMed 9536098.

NM_016169.4(SUFU):c.910+5G>A

Gene: SUFU (SUFU negative regulator of hedgehog signaling; plus strand). Cytogenetic location: 10q24.32.
Variant type: single nucleotide variant.
Coding change: c.910+5G>A on transcript NM_016169.4 (MANE Select); 5 bases into the intron after coding-DNA position 910, G replaced by A.
Molecular consequence: intron variant.
Genome position (GRCh38, 1-based): chr10:102,597,298, G>A. VCF-style: chr10-102597298-G-A. GRCh37 (hg19) VCF-style: chr10-104357055-G-A.
Other names: c.910+5G>A (NM_001178133.2).
Identifiers: ClinVar variation 1491170 (VCV001491170.6), dbSNP rs2135882479, ClinGen allele CA2573145411.